The following is an entry in ClinVar:

ClinVar aggregate classification (germline): Likely benign. Review status: criteria provided, multiple submitters, no conflicts (2 of 4 stars). 3 submissions from 3 submitters: Likely benign (2). 1 of the submissions does not count toward it. Last evaluated 2023-12-27.

Conditions:
LRP1-related disorder. Also called: LRP1-related condition.

Allele frequency attached by ClinVar (database versions not stated): ExAC 0.00015; gnomAD 0.00017; TOPMed 0.00019; 1000 Genomes Project 30x 0.00031; ESP Exome Variant Server 0.00031; 1000 Genomes Project 0.00040.
gnomAD v4.1: 312 of 1,614,170 alleles (0.019%); highest among the groups gnomAD compares: East Asian, 0.053%; no homozygotes.

Submissions (3):

Ambry Genetics
Classification: Likely benign. Last evaluated: 2023-12-27. Review status: criteria provided, single submitter. Criteria: Ambry Variant Classification Scheme 2023. Collection method: clinical testing. Allele origin: germline.

CeGaT Center for Human Genetics Tuebingen
Classification: Likely benign. Last evaluated: 2023-11-01. Review status: criteria provided, single submitter. Criteria: CeGaT Center For Human Genetics Tuebingen Variant Classification Criteria Version 2. Collection method: clinical testing. Allele origin: germline. Affected: yes. Observed: 1 variant allele.
Comment: LRP1: BP4, BP7

PreventionGenetics, part of Exact Sciences
Classification: Likely benign for LRP1-related condition. Last evaluated: 2019-02-21. Review status: no assertion criteria provided. Collection method: clinical testing. Allele origin: germline. Not counted in ClinVar's aggregate classification.
Comment: This variant is classified as likely benign based on ACMG/AMP sequence variant interpretation guidelines (Richards et al. 2015 PMID: 25741868, with internal and published modifications).

NM_002332.3(LRP1):c.1083C>T (p.Leu361=)

Gene: LRP1 (LDL receptor related protein 1; plus strand). Cytogenetic location: 12q13.3.
Variant type: single nucleotide variant.
Coding change: c.1083C>T on transcript NM_002332.3 (MANE Select); coding-DNA position 1083, C replaced by T.
Protein change: p.Leu361=; no amino-acid change (leucine 361 retained).
Molecular consequence: synonymous variant.
Genome position (GRCh38, 1-based): chr12:57,154,557, C>T. VCF-style: chr12-57154557-C-T. GRCh37 (hg19) VCF-style: chr12-57548340-C-T.
Other names: c.1083C>T (NM_002332.2).
Identifiers: ClinVar variation 2672508 (VCV002672508.25), dbSNP rs147797119, ClinGen allele CA6642465.